The following is an entry in ClinVar:

NM_000551.4(VHL):c.257C>T (p.Pro86Leu)

Gene: VHL (von Hippel-Lindau tumor suppressor; plus strand). Cytogenetic location: 3p25.3.
Variant type: single nucleotide variant.
Coding change: c.257C>T on transcript NM_000551.4 (MANE Select); coding-DNA position 257, C replaced by T.
Protein change: p.Pro86Leu; replaces proline 86 with leucine.
Molecular consequence: missense variant.
Genome position (GRCh38, 1-based): chr3:10,142,104, C>T. VCF-style: chr3-10142104-C-T. GRCh37 (hg19) VCF-style: chr3-10183788-C-T.
Other names: NM_000551.4(VHL):c.257C>T; c.257C>T, p.Pro86Leu (NM_001354723.2, NM_198156.3); short protein forms P86L.
Identifiers: ClinVar variation 182977 (VCV000182977.19), dbSNP rs730882034, ClinGen allele CA020186.

ClinVar aggregate classification (germline): Pathogenic. Review status: reviewed by expert panel (3 of 4 stars). 7 submissions from 7 submitters: Pathogenic (1). 6 of the submissions do not count toward it. Last evaluated 2024-06-25.

Conditions:
Chuvash polycythemia. Also called: POLYCYTHEMIA, VHL-DEPENDENT. Identifiers: Orphanet 238557, MedGen C1837915, MONDO:0009892, OMIM 263400.
Von Hippel-Lindau syndrome (VHLS). Also called: von Hippel–Lindau syndrome; VHL syndrome; Von Hippel-Lindau. Identifiers: Orphanet 892, MedGen C0019562, MONDO:0008667, OMIM 193300. Disease mechanism: loss of function.
Hereditary cancer-predisposing syndrome. Also called: Hereditary neoplastic syndrome; Tumor predisposition; Neoplastic Syndromes, Hereditary; Hereditary Cancer Syndrome. Identifiers: Orphanet 140162, MedGen C0027672, MeSH D009386, MONDO:0015356.

Submissions (7):

ClinGen VHL Variant Curation Expert Panel, ClinGen
Classification: Pathogenic for Von Hippel-Lindau syndrome. Last evaluated: 2024-06-25. Review status: reviewed by expert panel. Criteria: ClinGen VHL VCEP ACMG Specifications VHL V1. Collection method: curation. Allele origin: germline. Inheritance: Autosomal dominant inheritance.
Comment: The variant NM_000551.4(VHL):c.257C>T (p.Pro86Leu) is a missense variant predicted to cause substitution of Proline by Leucine. This variant is absent from gnomAD v4.1.0 (PM2_Supporting). This is identified in over 10 probands meeting either Danish criteria for VHL, or harboring other consistent features with VHL. The total phenotype points is 7.5, which meets the VHL VCEP specification of PS4 (5-15 phenotype points) (PMIDs:7728151; 27527340; 29437867; 21463266). The variant has been reported to segregate with von Hippel Lindau syndrome in at least 7 affected family members from 2 families (PP1_Strong; PMID: 7728151). In summary, this variant meets the criteria to be classified as Pathogenic for autosomal-dominant von Hippel Lindau syndrome (VHL syndrome) based on the ACMG/AMP criteria applied, as specified by the ClinGen VHL VCEP Version 1.0 (Specifications approval date: 02/26/2024 Variant Approval Date 06/25/2024).

CeGaT Center for Human Genetics Tuebingen
Classification: Pathogenic. Last evaluated: 2026-08-01. Review status: criteria provided, single submitter. Criteria: CeGaT Center For Human Genetics Tuebingen Variant Classification Criteria Version 2. Collection method: clinical testing. Allele origin: germline. Affected: yes. Observed: 1 variant allele. Not counted in ClinVar's aggregate classification.
Comment: VHL: PM1, PM2, PM5, PS4:Moderate, PP3, PP4

Labcorp Genetics (formerly Invitae), Labcorp
Classification: Pathogenic for Von Hippel-Lindau syndrome; Chuvash polycythemia. Last evaluated: 2025-07-13. Review status: criteria provided, single submitter. Criteria: Invitae Variant Classification Sherloc (09022015). Collection method: clinical testing. Allele origin: germline. Not counted in ClinVar's aggregate classification.
Comment: This sequence change replaces proline, which is neutral and non-polar, with leucine, which is neutral and non-polar, at codon 86 of the VHL protein (p.Pro86Leu). This variant is not present in population databases (gnomAD no frequency). This missense change has been observed in individuals with von Hippel-Lindau (VHL) syndrome (PMID: 7728151, 27527340; internal data). It has also been observed to segregate with disease in related individuals. This variant is also known as c.470C>T, p.Pro157Leu. ClinVar contains an entry for this variant (Variation ID: 182977). Invitae Evidence Modeling of protein sequence and biophysical properties (such as structural, functional, and spatial information, amino acid conservation, physicochemical variation, residue mobility, and thermodynamic stability) indicates that this missense variant is expected to disrupt VHL protein function with a positive predictive value of 95%. This variant disrupts the p.Pro86 amino acid residue in VHL. Other variant(s) that disrupt this residue have been determined to be pathogenic (PMID: 8634692, 9829912, 19464396, 27057652, 27527340). This suggests that this residue is clinically significant, and that variants that disrupt this residue are likely to be disease-causing. For these reasons, this variant has been classified as Pathogenic.

Ambry Genetics
Classification: Pathogenic for Hereditary cancer-predisposing syndrome. Last evaluated: 2021-10-07. Review status: criteria provided, single submitter. Criteria: Ambry Variant Classification Scheme 2023. Collection method: clinical testing. Allele origin: germline. Not counted in ClinVar's aggregate classification.
Comment: The p.P86L pathogenic mutation (also known as c.257C>T), located in coding exon 1 of the VHL gene, results from a C to T substitution at nucleotide position 257. The proline at codon 86 is replaced by leucine, an amino acid with very few similar properties. This pathogenic mutation has been found in multiple individuals meeting clinical criteria for Von Hippel-Lindau syndrome with symptoms including retinal angiomas, CNS hemangioblastomas, renal cell carcinoma, and pancreatic cysts/tumors (Chen F et al. Hum. Mutat. 1995; 5(1):66-75; Kondo et al. Hum. Mol. Genet. 1995 Dec;4(12):2233-7; Yoshida M et al. Jpn. J. Cancer Res. 2000 Feb; 91(2):204-12; Ong KR et al. Hum. Mutat. 2007 Feb;28(2):143-9; Zhang J et al J. Cancer Res. Clin. Oncol. 2008 Nov;134(11):1211-8; Wong M et al. Chin J Cancer. 2016 Aug;35:79). Three unique alterations located at the same position, p.P86A, p.P86S, and p.P86R, have each been documented in the literature as having an association with Von Hippel-Lindau syndrome suggesting this codon may represent a mutation hotspot. Of note, the p.P86L (c.257C>T) alteration has also been reported as p.P157L (c.470C>T) in some literature. This variant is considered to be rare based on population cohorts in the Genome Aggregation Database (gnomAD). Based on the supporting evidence, this alteration is interpreted as a disease-causing mutation.

Women's Health and Genetics/Laboratory Corporation of America, LabCorp
Classification: Pathogenic for Von Hippel-Lindau syndrome. Last evaluated: 2016-02-02. Review status: criteria provided, single submitter. Criteria: LabCorp Variant Classification Summary - May 2015. Collection method: clinical testing. Allele origin: germline. Not counted in ClinVar's aggregate classification.
Comment: Variant summary: c.257C>T affects a conserved nucleotide, resulting in amino acid change from Pro to Leu. 4/4 in-silico tools predict this variant to be damaging. This variant was not found in 102226 control chromosomes. This variant has been reported in multiple VHL pts with clear co-segregation of the variant with disease in the families. Variants P86A, P86R, and P86S are all listed as disease mutation in HGMD and have been reported in multiple publications, suggesting the codon 86 is a hypermutable amino acid and a hotspot for mutations. In addition, one clinical laboratory (via Clinvar) classified this variant as pathogenic. Taken together, this variant was classified as a Pathogenic.

Clinical Genomics Labs, University Health Network
Classification: Likely pathogenic for Von Hippel-Lindau syndrome. Last evaluated: 2020-08-24. Review status: no assertion criteria provided. Criteria: ACMG Guidelines, 2015. Collection method: clinical testing. Allele origin: germline. Not counted in ClinVar's aggregate classification.

Genomic Diagnostic Laboratory, Division of Genomic Diagnostics, Children's Hospital of Philadelphia
Classification: Pathogenic for Von Hippel-Lindau syndrome. Last evaluated: 2016-02-26. Review status: no assertion criteria provided. Collection method: clinical testing. Allele origin: germline. Affected: yes. Observed: 8 variant alleles. Not counted in ClinVar's aggregate classification.

Literature cited by the submitters: PubMed 7728151 (cited by 3 submitters); PubMed 27527340 (cited by Labcorp Genetics (formerly Invitae), Labcorp and Ambry Genetics); PubMed 8634692 (cited by Labcorp Genetics (formerly Invitae), Labcorp and Ambry Genetics); PubMed 9829912 (cited by Labcorp Genetics (formerly Invitae), Labcorp); PubMed 19464396 (cited by 3 submitters); PubMed 27057652 (cited by Labcorp Genetics (formerly Invitae), Labcorp); PubMed 10761708 (cited by Ambry Genetics and Women's Health and Genetics/Laboratory Corporation of America, LabCorp); PubMed 17024664 (cited by Ambry Genetics); PubMed 18446368 (cited by Ambry Genetics and Women's Health and Genetics/Laboratory Corporation of America, LabCorp); PubMed 22799452 (cited by Ambry Genetics); PubMed 24335534 (cited by Ambry Genetics); PubMed 34109129 (cited by Ambry Genetics); PubMed 10340905 (cited by Women's Health and Genetics/Laboratory Corporation of America, LabCorp); PubMed 10697963 (cited by Women's Health and Genetics/Laboratory Corporation of America, LabCorp); PubMed 10408776 (cited by Women's Health and Genetics/Laboratory Corporation of America, LabCorp); PubMed 7915601 (cited by Women's Health and Genetics/Laboratory Corporation of America, LabCorp); PubMed 7553625 (cited by Women's Health and Genetics/Laboratory Corporation of America, LabCorp); PubMed 8956040 (cited by Women's Health and Genetics/Laboratory Corporation of America, LabCorp); PubMed 11688398 (cited by Women's Health and Genetics/Laboratory Corporation of America, LabCorp); PubMed 17407064 (cited by Women's Health and Genetics/Laboratory Corporation of America, LabCorp); PubMed 17688370 (cited by Women's Health and Genetics/Laboratory Corporation of America, LabCorp); PubMed 16488999 (cited by Women's Health and Genetics/Laboratory Corporation of America, LabCorp); PubMed 18584357 (cited by Women's Health and Genetics/Laboratory Corporation of America, LabCorp); PubMed 19408298 (cited by Women's Health and Genetics/Laboratory Corporation of America, LabCorp).